The following is an entry in ClinVar:

ClinVar aggregate classification (germline): Uncertain significance (1 of 4 stars; one submission).

Conditions:
Myopathy, centronuclear, 2 (CNM2). Also called: MYOTUBULAR MYOPATHY, AUTOSOMAL RECESSIVE. Identifiers: Orphanet 169186, MedGen CN031787, MONDO:0009709, OMIM 255200.

gnomAD v4.1: 2 of 1,613,992 alleles (0.00012%); highest among the groups gnomAD compares: Admixed American, 0.0017%; no homozygotes.

Submission:

Labcorp Genetics (formerly Invitae), Labcorp
Classification: Uncertain significance for Myopathy, centronuclear, 2. Last evaluated: 2022-08-15. Review status: criteria provided, single submitter. Criteria: Invitae Variant Classification Sherloc (09022015). Collection method: clinical testing. Allele origin: germline.
Comment: This sequence change replaces isoleucine, which is neutral and non-polar, with leucine, which is neutral and non-polar, at codon 140 of the BIN1 protein (p.Ile140Leu). This variant is not present in population databases (gnomAD no frequency). This variant has not been reported in the literature in individuals affected with BIN1-related conditions. ClinVar contains an entry for this variant (Variation ID: 967258). Algorithms developed to predict the effect of missense changes on protein structure and function are either unavailable or do not agree on the potential impact of this missense change (SIFT: "Deleterious"; PolyPhen-2: "Probably Damaging"; Align-GVGD: "Class C0"). In summary, the available evidence is currently insufficient to determine the role of this variant in disease. Therefore, it has been classified as a Variant of Uncertain Significance.

NM_139343.3(BIN1):c.418A>C (p.Ile140Leu)

Gene: BIN1 (bridging integrator 1; minus strand). Cytogenetic location: 2q14.3.
Variant type: single nucleotide variant.
Coding change: c.418A>C on transcript NM_139343.3 (MANE Select); coding-DNA position 418, A replaced by C.
Protein change: p.Ile140Leu; replaces isoleucine 140 with leucine.
Molecular consequence: missense variant.
Genome position (GRCh38, 1-based): chr2:127,069,025, T>G on the plus strand (A>C on the coding strand, the complement: BIN1 is on the minus strand). VCF-style: chr2-127069025-T-G. GRCh37 (hg19) VCF-style: chr2-127826601-T-G.
Other names: c.418A>C, p.Ile140Leu (NM_001320632.2, NM_001320633.2, NM_001320640.2 and 10 more transcripts); c.346A>C, p.Ile116Leu (NM_001320634.1); c.337A>C, p.Ile113Leu (NM_001320642.1); short protein forms I140L, I116L, I113L.
Identifiers: ClinVar variation 967258 (VCV000967258.9), dbSNP rs1407049344, ClinGen allele CA348368062.